The following is an entry in ClinVar:

ClinVar aggregate classification (germline): Uncertain significance (1 of 4 stars; one submission).

Conditions:
Long QT syndrome (LQTS). Identifiers: MedGen C0023976, MeSH D008133, MONDO:0002442. Disease mechanism: loss of function. Inheritance: Various modes of inheritance.

Allele frequency attached by ClinVar (database versions not stated): TOPMed 0.00002; gnomAD 0.00003; gnomAD exomes 0.00003; ExAC 0.00005.
gnomAD v4.1: 18 of 1,611,998 alleles (0.0011%); highest among the groups gnomAD compares: African/African-American, 0.0067%; no homozygotes.

Submission:

Labcorp Genetics (formerly Invitae), Labcorp
Classification: Uncertain significance for Long QT syndrome. Last evaluated: 2025-05-08. Review status: criteria provided, single submitter. Criteria: Invitae Variant Classification Sherloc (09022015). Collection method: clinical testing. Allele origin: germline.
Comment: This sequence change replaces arginine, which is basic and polar, with tryptophan, which is neutral and slightly polar, at codon 1819 of the CACNA1C protein (p.Arg1819Trp). This variant is present in population databases (rs760812948, gnomAD 0.02%). This variant has not been reported in the literature in individuals affected with CACNA1C-related conditions. ClinVar contains an entry for this variant (Variation ID: 1051592). Invitae Evidence Modeling of protein sequence and biophysical properties (such as structural, functional, and spatial information, amino acid conservation, physicochemical variation, residue mobility, and thermodynamic stability) indicates that this missense variant is not expected to disrupt CACNA1C protein function with a negative predictive value of 95%. In summary, the available evidence is currently insufficient to determine the role of this variant in disease. Therefore, it has been classified as a Variant of Uncertain Significance.

NM_000719.7(CACNA1C):c.5455C>T (p.Arg1819Trp)

Genes: CACNA1C (calcium voltage-gated channel subunit alpha1 C; plus strand), CACNA1C-AS1 (CACNA1C antisense RNA 1; minus strand). Cytogenetic location: 12p13.33.
Variant type: single nucleotide variant.
Coding change: c.5455C>T on transcript NM_000719.7 (MANE Select); coding-DNA position 5455, C replaced by T.
Protein change: p.Arg1819Trp; replaces arginine 1819 with tryptophan.
Molecular consequence: missense variant.
Genome position (GRCh38, 1-based): chr12:2,682,560, C>T. VCF-style: chr12-2682560-C-T. GRCh37 (hg19) VCF-style: chr12-2791726-C-T.
Other names: c.5599C>T, p.Arg1867Trp (NM_001129827.2); c.5578C>T, p.Arg1860Trp (NM_001129829.2); c.5560C>T, p.Arg1854Trp (NM_001129830.3, NM_001167624.3); c.5539C>T, p.Arg1847Trp (NM_001129831.2); c.5515C>T, p.Arg1839Trp (NM_001129832.2); c.5512C>T, p.Arg1838Trp (NM_001129833.2, NM_001129834.2, NM_001129835.2); c.5506C>T, p.Arg1836Trp (NM_001129836.2); c.5479C>T, p.Arg1827Trp (NM_001129837.2, NM_001129838.2); and 6 more; short protein forms R1808W, R1816W, R1819W, R1825W, R1827W, R1836W, R1838W, R1839W.
Identifiers: ClinVar variation 1051592 (VCV001051592.9), dbSNP rs760812948, ClinGen allele CA6389869.